The following is an entry in ClinVar:

ClinVar aggregate classification (germline): Uncertain significance (1 of 4 stars; one submission).

Allele frequency attached by ClinVar (database versions not stated): gnomAD exomes below 0.00001 and 0.00001; TOPMed below 0.00001; gnomAD 0.00001.
gnomAD v4.1: 6 of 1,512,788 alleles (0.0004%); highest among the groups gnomAD compares: South Asian, 0.0048%; no homozygotes.

Submission:

Labcorp Genetics (formerly Invitae), Labcorp
Classification: Uncertain significance. Last evaluated: 2025-01-15. Review status: criteria provided, single submitter. Criteria: Invitae Variant Classification Sherloc (09022015). Collection method: clinical testing. Allele origin: germline.
Comment: This sequence change replaces tyrosine, which is neutral and polar, with cysteine, which is neutral and slightly polar, at codon 2058 of the EYS protein (p.Tyr2058Cys). This variant is present in population databases (no rsID available, gnomAD 0.01%). This variant has not been reported in the literature in individuals affected with EYS-related conditions. ClinVar contains an entry for this variant (Variation ID: 1518125). Invitae Evidence Modeling of protein sequence and biophysical properties (such as structural, functional, and spatial information, amino acid conservation, physicochemical variation, residue mobility, and thermodynamic stability) indicates that this missense variant is not expected to disrupt EYS protein function with a negative predictive value of 80%. In summary, the available evidence is currently insufficient to determine the role of this variant in disease. Therefore, it has been classified as a Variant of Uncertain Significance.

NM_001142800.2(EYS):c.6173A>G (p.Tyr2058Cys)

Gene: EYS (EGF-like photoreceptor maintenance factor; minus strand). Cytogenetic location: 6q12.
Variant type: single nucleotide variant.
Coding change: c.6173A>G on transcript NM_001142800.2 (MANE Select); coding-DNA position 6173, A replaced by G.
Protein change: p.Tyr2058Cys; replaces tyrosine 2058 with cysteine.
Molecular consequence: missense variant.
Genome position (GRCh38, 1-based): chr6:64,306,988, T>C on the plus strand (A>G on the coding strand, the complement: EYS is on the minus strand). VCF-style: chr6-64306988-T-C. GRCh37 (hg19) VCF-style: chr6-65016881-T-C.
Other names: c.6173A>G, p.Tyr2058Cys (NM_001292009.2); short protein forms Y2058C.
Identifiers: ClinVar variation 1518125 (VCV001518125.6), dbSNP rs1486367630, ClinGen allele CA364391702.
Genomic context (GRCh38, chr6:64,306,988, plus strand): 5'-TATTTGAACAAGTTATTAGAAAAATCACTACTGCTATTTTACCTGCAATTGTTAATGTGA[T>C]AGTTTTTCACTGCCTTGGATGGAATGAAAGATCTCCAGTTATTTATTTCTATAACTTCTA-3'
Protein context (NP_001136272.1, residues 2048-2068): SFIPSKAVKN[Tyr2058Cys]HINNCRSQGF